The following is an entry in ClinVar:

NM_000138.5(FBN1):c.5413G>A (p.Val1805Ile)

Gene: FBN1 (fibrillin 1; minus strand). Cytogenetic location: 15q21.1.
Variant type: single nucleotide variant.
Coding change: c.5413G>A on transcript NM_000138.5 (MANE Select); coding-DNA position 5413, G replaced by A.
Protein change: p.Val1805Ile; replaces valine 1805 with isoleucine.
Molecular consequence: missense variant.
Genome position (GRCh38, 1-based): chr15:48,456,646, C>T on the plus strand (G>A on the coding strand, the complement: FBN1 is on the minus strand). VCF-style: chr15-48456646-C-T. GRCh37 (hg19) VCF-style: chr15-48748843-C-T.
Other names: short protein forms V1805I.
Identifiers: ClinVar variation 265142 (VCV000265142.5), dbSNP rs745636786, ClinGen allele CA054862.

ClinVar aggregate classification (germline): Uncertain significance. Review status: criteria provided, multiple submitters, no conflicts (2 of 4 stars). 2 submissions from 2 submitters: Uncertain significance (2). Last evaluated 2024-08-06.

Conditions:
Marfan syndrome (MFS). Also called: Marfan syndrome type 1; Marfan's syndrome; MARFAN SYNDROME, TYPE I; Marfan syndrome, classic; FBN1-Related Marfan Syndrome. Identifiers: Orphanet 284963, Orphanet 558, MedGen C0024796, MONDO:0007947, OMIM 154700.

Allele frequency attached by ClinVar (database versions not stated): gnomAD exomes below 0.00001; TOPMed 0.00001; ExAC 0.00001; gnomAD 0.00001.
gnomAD v4.1: 1 of 1,613,732 alleles (0.000062%); highest among the groups gnomAD compares: African/African-American, 0.0013%; no homozygotes.

Submissions (2):

All of Us Research Program, National Institutes of Health
Classification: Uncertain significance for Marfan syndrome. Last evaluated: 2024-08-06. Review status: criteria provided, single submitter. Criteria: ACMG Guidelines, 2015. Collection method: clinical testing. Allele origin: germline. Inheritance: Autosomal dominant inheritance. Observed: 2 variant alleles, 2 heterozygotes.
Comment: This study involves interpretation of variants in research participants for the purpose of population health screening. Participant phenotype was not available at the time of variant classification. Additional details can be found in publication PMID: 35346344, PMCID: PMC8962531

GeneDx
Classification: Uncertain significance. Last evaluated: 2019-07-15. Review status: criteria provided, single submitter. Criteria: GeneDx Variant Classification Process June 2021. Collection method: clinical testing. Allele origin: germline. Affected: yes.
Comment: Has not been previously published as pathogenic or benign to our knowledge; Not observed at a significant frequency in large population cohorts (Lek et al., 2016); In silico analysis, which includes protein predictors and evolutionary conservation, supports that this variant does not alter protein structure/function; Does not affect a cysteine residue within a calcium-binding EGF-like domain of the FBN1 gene; cysteine substitutions in the calcium-binding EGF-like domains represent the majority of pathogenic missense changes associated with FBN1-related disorders (Collod-Beroud et al., 2003)